The following is an entry in ClinVar:

ClinVar aggregate classification (germline): Benign. Review status: criteria provided, single submitter (1 of 4 stars). 2 submissions from 2 submitters: Benign (1). 1 of the submissions does not count toward it. Last evaluated 2019-12-31.

Conditions:
FAM98C-related disorder. Also called: FAM98C-related condition.

Allele frequency attached by ClinVar (database versions not stated): gnomAD exomes 0.00069; ExAC 0.00086; 1000 Genomes Project 0.00260; ESP Exome Variant Server 0.00260; gnomAD 0.00277 and 0.00294; 1000 Genomes Project 30x 0.00297; TOPMed 0.00326.
gnomAD v4.1: 835 of 1,613,480 alleles (0.052%); highest among the groups gnomAD compares: African/African-American, 1%; 5 homozygotes.

Submissions (13):

Labcorp Genetics (formerly Invitae), Labcorp
Classification: Benign. Last evaluated: 2019-12-31. Review status: criteria provided, single submitter. Criteria: Invitae Variant Classification Sherloc (09022015). Collection method: clinical testing. Allele origin: germline.

PreventionGenetics, part of Exact Sciences
Classification: Likely benign for FAM98C-related condition. Last evaluated: 2020-01-06. Review status: no assertion criteria provided. Collection method: clinical testing. Allele origin: germline. Not counted in ClinVar's aggregate classification.
Comment: This variant is classified as likely benign based on ACMG/AMP sequence variant interpretation guidelines (Richards et al. 2015 PMID: 25741868, with internal and published modifications).

Dr. Peter K. Rogan Lab, Western University
No classification provided (evidence only). Condition: Clear cell carcinoma of kidney. Review status: no classification provided. Collection method: in vitro. Allele origin: not applicable. Functional consequence: skipped exon, retained intron. Not counted in ClinVar's aggregate classification.

Dr. Peter K. Rogan Lab, Western University
No classification provided (evidence only). Condition: Colon adenocarcinoma. Review status: no classification provided. Collection method: in vitro. Allele origin: not applicable. Functional consequence: skipped exon, retained intron. Not counted in ClinVar's aggregate classification.

Dr. Peter K. Rogan Lab, Western University
No classification provided (evidence only). Condition: Thyroid cancer, nonmedullary, 1. Review status: no classification provided. Collection method: in vitro. Allele origin: not applicable. Functional consequence: skipped exon, retained intron. Not counted in ClinVar's aggregate classification.

Dr. Peter K. Rogan Lab, Western University
No classification provided (evidence only). Condition: Uterine corpus endometrial carcinoma. Review status: no classification provided. Collection method: in vitro. Allele origin: not applicable. Functional consequence: skipped exon, retained intron. Not counted in ClinVar's aggregate classification.

Dr. Peter K. Rogan Lab, Western University
No classification provided (evidence only). Condition: Uterine corpus endometrial carcinoma. Review status: no classification provided. Collection method: in vitro. Allele origin: not applicable. Functional consequence: skipped exon, retained intron. Not counted in ClinVar's aggregate classification.

Dr. Peter K. Rogan Lab, Western University
No classification provided (evidence only). Condition: Uterine corpus endometrial carcinoma. Review status: no classification provided. Collection method: in vitro. Allele origin: not applicable. Functional consequence: skipped exon, retained intron. Not counted in ClinVar's aggregate classification.

Dr. Peter K. Rogan Lab, Western University
No classification provided (evidence only). Condition: Uterine corpus endometrial carcinoma. Review status: no classification provided. Collection method: in vitro. Allele origin: not applicable. Functional consequence: skipped exon, retained intron. Not counted in ClinVar's aggregate classification.

Dr. Peter K. Rogan Lab, Western University
No classification provided (evidence only). Condition: Cervical cancer. Review status: no classification provided. Collection method: in vitro. Allele origin: not applicable. Functional consequence: skipped exon, retained intron. Not counted in ClinVar's aggregate classification.

Dr. Peter K. Rogan Lab, Western University
No classification provided (evidence only). Condition: Cervical cancer. Review status: no classification provided. Collection method: in vitro. Allele origin: not applicable. Functional consequence: skipped exon, retained intron. Not counted in ClinVar's aggregate classification.

Dr. Peter K. Rogan Lab, Western University
No classification provided (evidence only). Condition: Hepatocellular carcinoma. Review status: no classification provided. Collection method: in vitro. Allele origin: not applicable. Functional consequence: skipped exon, retained intron. Not counted in ClinVar's aggregate classification.

Dr. Peter K. Rogan Lab, Western University
No classification provided (evidence only). Condition: Gastric cancer. Review status: no classification provided. Collection method: in vitro. Allele origin: not applicable. Functional consequence: skipped exon, retained intron. Not counted in ClinVar's aggregate classification.

NM_174905.4(TSLIG3C):c.751-2A>C

Gene: TSLIG3C (tRNA splicing ligase complex subunit 3C; plus strand). Cytogenetic location: 19q13.2.
Variant type: single nucleotide variant.
Coding change: c.751-2A>C on transcript NM_174905.4 (MANE Select); the canonical splice acceptor site of the intron before coding-DNA position 751, A replaced by C.
Molecular consequence: splice acceptor variant. On other transcripts: intron variant (1).
Genome position (GRCh38, 1-based): chr19:38,406,908, A>C. VCF-style: chr19-38406908-A-C. GRCh37 (hg19) VCF-style: chr19-38897548-A-C.
Other names: NC_000019.9:g.38897548A>C; c.672+1273A>C (NM_001351675.1).
Identifiers: ClinVar variation 734946 (VCV000734946.7), dbSNP rs76769969, ClinGen allele CA9415000.